The following is an entry in ClinVar:

NM_145045.5(ODAD3):c.619C>T (p.Arg207Trp)

Gene: ODAD3 (outer dynein arm docking complex subunit 3; minus strand). Cytogenetic location: 19p13.2.
Variant type: single nucleotide variant.
Coding change: c.619C>T on transcript NM_145045.5 (MANE Select); coding-DNA position 619, C replaced by T.
Protein change: p.Arg207Trp; replaces arginine 207 with tryptophan.
Molecular consequence: missense variant. On other transcripts: intron variant (1).
Genome position (GRCh38, 1-based): chr19:11,426,778, G>A on the plus strand (C>T on the coding strand, the complement: ODAD3 is on the minus strand). VCF-style: chr19-11426778-G-A. GRCh37 (hg19) VCF-style: chr19-11537598-G-A.
Other names: c.457C>T, p.Arg153Trp (NM_001302453.1); c.534+95C>T (NM_001302454.2); short protein forms R153W, R207W.
Identifiers: ClinVar variation 935091 (VCV000935091.9), dbSNP rs1167009347, ClinGen allele CA404124673.

ClinVar aggregate classification (germline): Uncertain significance (1 of 4 stars; one submission).

Conditions:
Primary ciliary dyskinesia 30. Also called: CILIARY DYSKINESIA, PRIMARY, 30, WITH OR WITHOUT SITUS INVERSUS. Identifiers: Orphanet 244, MedGen C4015016, MONDO:0014465, OMIM 616037.

Allele frequency attached by ClinVar (database versions not stated): gnomAD exomes below 0.00001; TOPMed below 0.00001.
gnomAD v4.1: 3 of 1,613,850 alleles (0.00019%); highest among the groups gnomAD compares: Admixed American, 0.0017%; no homozygotes.

Submission:

Labcorp Genetics (formerly Invitae), Labcorp
Classification: Uncertain significance for Primary ciliary dyskinesia 30. Last evaluated: 2022-02-24. Review status: criteria provided, single submitter. Criteria: Invitae Variant Classification Sherloc (09022015). Collection method: clinical testing. Allele origin: germline.
Comment: This variant has not been reported in the literature in individuals affected with CCDC151-related conditions. This variant is present in population databases (no rsID available, gnomAD 0.003%). ClinVar contains an entry for this variant (Variation ID: 935091). In summary, the available evidence is currently insufficient to determine the role of this variant in disease. Therefore, it has been classified as a Variant of Uncertain Significance. Algorithms developed to predict the effect of missense changes on protein structure and function are either unavailable or do not agree on the potential impact of this missense change (SIFT: "Deleterious"; PolyPhen-2: "Probably Damaging"; Align-GVGD: "Class C0"). This sequence change replaces arginine, which is basic and polar, with tryptophan, which is neutral and slightly polar, at codon 207 of the CCDC151 protein (p.Arg207Trp).